The following is an entry in ClinVar:

ClinVar aggregate classification (germline): Uncertain significance (1 of 4 stars; one submission).

Conditions:
Immunodeficiency, common variable, 7. Identifiers: Orphanet 1572, Orphanet 696894, MedGen C3542922, MONDO:0013862, OMIM 614699.

Allele frequency attached by ClinVar (database versions not stated): gnomAD exomes 0.00001 and below 0.00001; gnomAD 0.00001; TOPMed 0.00001.

Submission:

Labcorp Genetics (formerly Invitae), Labcorp
Classification: Uncertain significance for Immunodeficiency, common variable, 7. Last evaluated: 2024-10-29. Review status: criteria provided, single submitter. Criteria: Invitae Variant Classification Sherloc (09022015). Collection method: clinical testing. Allele origin: germline.
Comment: This sequence change replaces glutamine, which is neutral and polar, with arginine, which is basic and polar, at codon 365 of the CR2 protein (p.Gln365Arg). This variant is present in population databases (rs796416058, gnomAD 0.002%). This variant has not been reported in the literature in individuals affected with CR2-related conditions. ClinVar contains an entry for this variant (Variation ID: 1496750). An algorithm developed to predict the effect of missense changes on protein structure and function (PolyPhen-2) suggests that this variant is likely to be tolerated. In summary, the available evidence is currently insufficient to determine the role of this variant in disease. Therefore, it has been classified as a Variant of Uncertain Significance.

NM_001006658.3(CR2):c.1094A>G (p.Gln365Arg)

Genes: CR2 (complement C3d receptor 2; plus strand), LOC126805994 (BRD4-independent group 4 enhancer GRCh37_chr1:207642622-207643821; plus strand). Cytogenetic location: 1q32.2.
Variant type: single nucleotide variant.
Coding change: c.1094A>G on transcript NM_001006658.3 (MANE Select); coding-DNA position 1094, A replaced by G.
Protein change: p.Gln365Arg; replaces glutamine 365 with arginine.
Molecular consequence: missense variant.
Genome position (GRCh38, 1-based): chr1:207,469,971, A>G. VCF-style: chr1-207469971-A-G. GRCh37 (hg19) VCF-style: chr1-207643316-A-G.
Other names: c.1094A>G, p.Gln365Arg (NM_001877.5); short protein forms Q365R.
Identifiers: ClinVar variation 1496750 (VCV001496750.8), dbSNP rs796416058, ClinGen allele CA36648335.